The following is an entry in ClinVar:

ClinVar aggregate classification (germline): Uncertain significance (1 of 4 stars; one submission).

Submission:

GeneDx
Classification: Uncertain significance. Last evaluated: 2022-02-18. Review status: criteria provided, single submitter. Criteria: GeneDx Variant Classification Process June 2021. Collection method: clinical testing. Allele origin: germline. Affected: yes.
Comment: Not observed at significant frequency in large population cohorts (gnomAD); In silico analysis supports that this missense variant does not alter protein structure/function; Has not been previously published as pathogenic or benign to our knowledge

NM_000350.3(ABCA4):c.4900G>A (p.Ala1634Thr)

Genes: ABCA4 (ATP binding cassette subfamily A member 4; minus strand), LOC126805793 (CDK7 strongly-dependent group 2 enhancer GRCh37_chr1:94486302-94487501; plus strand). Cytogenetic location: 1p22.1.
Variant type: single nucleotide variant.
Coding change: c.4900G>A on transcript NM_000350.3 (MANE Select); coding-DNA position 4900, G replaced by A.
Protein change: p.Ala1634Thr; replaces alanine 1634 with threonine.
Molecular consequence: missense variant.
Genome position (GRCh38, 1-based): chr1:94,021,358, C>T on the plus strand (G>A on the coding strand, the complement: ABCA4 is on the minus strand). VCF-style: chr1-94021358-C-T. GRCh37 (hg19) VCF-style: chr1-94486914-C-T.
Other names: c.4678G>A, p.Ala1560Thr (NM_001425324.1); short protein forms A1634T, A1560T.
Identifiers: ClinVar variation 1702632 (VCV001702632.2), dbSNP rs1553188613, ClinGen allele CA341283133.